The following is an entry in ClinVar:

ClinVar aggregate classification (germline): Likely pathogenic (1 of 4 stars; one submission).

Conditions:
Tuberous sclerosis 2 (TSC2). Identifiers: Orphanet 805, MedGen C1860707, MONDO:0013199, OMIM 613254.

Submission:

Labcorp Genetics (formerly Invitae), Labcorp
Classification: Likely pathogenic for Tuberous sclerosis 2. Last evaluated: 2018-08-07. Review status: criteria provided, single submitter. Criteria: Invitae Variant Classification Sherloc (09022015). Collection method: clinical testing. Allele origin: unknown.
Comment: This variant is a gross deletion of the genomic region encompassing exon 11 and part of exon 12 (c.976-207_1191del) of the TSC2 gene. It is expected to disrupt RNA splicing and likely results in an absent or disrupted protein product. This variant has not been reported in the literature in individuals with TSC2-related disease. In summary, the currently available evidence indicates that the variant is pathogenic, but additional data are needed to prove that conclusively. Therefore, this variant has been classified as Likely Pathogenic. Loss-of-function variants in TSC2 are known to be pathogenic (PMID: 10205261, 17304050).

Literature cited by the submitters: PubMed 10205261; PubMed 17304050.

NC_000016.9:g.(?_2110464)_(2111943_?)del

Gene: TSC2 (TSC complex subunit 2; plus strand). Cytogenetic location: 16p13.3.
Variant type: Deletion.
Identifiers: ClinVar variation 3243476 (VCV003243476.1).